The following is an entry in ClinVar:

NM_003470.3(USP7):c.3202G>A (p.Gly1068Ser)

Gene: USP7 (ubiquitin specific peptidase 7; minus strand). Cytogenetic location: 16p13.2.
Variant type: single nucleotide variant.
Coding change: c.3202G>A on transcript NM_003470.3 (MANE Select); coding-DNA position 3202, G replaced by A.
Protein change: p.Gly1068Ser; replaces glycine 1068 with serine.
Molecular consequence: missense variant. On other transcripts: non-coding transcript variant (1).
Genome position (GRCh38, 1-based): chr16:8,894,550, C>T on the plus strand (G>A on the coding strand, the complement: USP7 is on the minus strand). VCF-style: chr16-8894550-C-T. GRCh37 (hg19) VCF-style: chr16-8988407-C-T.
Other names: c.3154G>A, p.Gly1052Ser (NM_001286457.2); c.2905G>A, p.Gly969Ser (NM_001286458.2); c.3028G>A, p.Gly1010Ser (NM_001321858.2); short protein forms G1010S, G1052S, G1068S, G969S.
Identifiers: ClinVar variation 3344807 (VCV003344807.1).
Genomic context (GRCh38, chr16:8,894,550, plus strand): 5'-AGACCACTTGTTTCTTAGTCTGAAACCCACACCAGCCCCCGGGGGGGGGAGAACCCTTAC[C>T]GGGCTGTGGCTCAAAGTCTTTCAAATTTACTTCATACTCGTCTTCATTTATGTACTGGTG-3'
Protein context (NP_003461.2, residues 1058-1078): VNLKDFEPQP[Gly1068Ser]NMSHPRPWLG

ClinVar aggregate classification (germline): Uncertain significance (0 of 4 stars; one submission).

Conditions:
USP7-related disorder. Also called: USP7-related condition.

gnomAD v4.1: 2 of 1,611,828 alleles (0.00012%); highest among the groups gnomAD compares: Admixed American, 0.0017%; no homozygotes.

Submission:

PreventionGenetics, part of Exact Sciences
Classification: Uncertain significance for USP7-related condition. Last evaluated: 2024-08-22. Review status: no assertion criteria provided. Collection method: clinical testing. Allele origin: germline.
Comment: The USP7 c.3202G>A variant is predicted to result in the amino acid substitution p.Gly1068Ser. To our knowledge, this variant has not been reported in the literature or in a large population database, indicating this variant is rare. This variant could be pathogenic. However, at this time, the clinical significance of this variant is uncertain due to the absence of conclusive functional and genetic evidence.